The following is an entry in ClinVar:

ClinVar aggregate classification (germline): Uncertain significance (1 of 4 stars; one submission).

Conditions:
Developmental and epileptic encephalopathy, 69. Also called: EPILEPTIC ENCEPHALOPATHY, EARLY INFANTILE, 69. Identifiers: MedGen C4748988, MONDO:0032657, OMIM 618285.

Submission:

New York Genome Center
Classification: Uncertain significance for Developmental and epileptic encephalopathy, 69. Last evaluated: 2021-02-09. Review status: criteria provided, single submitter. Criteria: NYGC Assertion Criteria 2020. Collection method: clinical testing. Allele origin: de novo. Observed: 1 heterozygote. Study: CSER-NYCKidSeq.
Comment: The de novo c.3160_3161dup, p.Cys1055ProfsTer46 frameshift heterozygous variant identified in CACNA1E has not been reported in the literature. This variant is not reported in the gnomAD database, indicating this is a rare allele and predicted to cause loss of normal protein function through protein truncation or nonsense-mediated mRNA decay [PMID:18000842]. Based on the available evidence, the variant c.3160_3161dup, p.Cys1055ProfsTer46 in the CACNA1E gene is classified as a Variant of Uncertain Significance.

NM_001205293.3(CACNA1E):c.3160_3161dup (p.Cys1055fs)

Gene: CACNA1E (calcium voltage-gated channel subunit alpha1 E; plus strand). Cytogenetic location: 1q25.3.
Variant type: Microsatellite.
Coding change: c.3160_3161dup on transcript NM_001205293.3 (MANE Select); coding-DNA positions 3160 to 3161, 2 bases duplicated (TC; older notation c.3160_3161dupTC).
Protein change: p.Cys1055fs; shifts the reading frame from cysteine 1055.
Molecular consequence: frameshift variant.
Genome position (GRCh38, 1-based): chr1:181,733,648-181,733,649, TC duplicated; duplicating any 2 consecutive bases within chr1:181,733,645-181,733,649 gives the same sequence; the c. name uses the placement nearest the transcript's 3' end. VCF-style (leftmost placement, unchanged base first): chr1-181733644-C-CCT. GRCh37 (hg19) VCF-style: chr1-181702780-C-CCT.
Other names: c.3160_3161dup, p.Cys1055fs (NM_000721.4); c.3103_3104dup, p.Cys1036fs (NM_001205294.2); short protein forms C1036fs, C1055fs.
Identifiers: ClinVar variation 1341847 (VCV001341847.1), dbSNP rs2102558297, ClinGen allele CA2580611513.